The following is an entry in ClinVar:

ClinVar aggregate classification (germline): Uncertain significance. Review status: criteria provided, multiple submitters, no conflicts (2 of 4 stars). 2 submissions from 2 submitters: Uncertain significance (2). Last evaluated 2025-10-27.

Conditions:
Autoinflammatory syndrome. Identifiers: Orphanet 93665, MedGen C3890737, MONDO:0019751.
Psoriasis 2. Identifiers: MedGen C1864497, MONDO:0011269, OMIM 602723.
Pityriasis rubra pilaris (PRP). Also called: Pityriasis rubra pilaris--familial type. Identifiers: Orphanet 2897, MedGen C0032027, MONDO:0100017, OMIM 173200, MONDO:0008251.

Allele frequency attached by ClinVar (database versions not stated): gnomAD 0.00001; ExAC 0.00002; gnomAD exomes 0.00002; TOPMed 0.00002.
gnomAD v4.1: 27 of 1,613,742 alleles (0.0017%); highest among the groups gnomAD compares: Non-Finnish European, 0.0022%; no homozygotes.

Submissions (2):

Labcorp Genetics (formerly Invitae), Labcorp
Classification: Uncertain significance for Pityriasis rubra pilaris; Psoriasis 2. Last evaluated: 2025-10-27. Review status: criteria provided, single submitter. Criteria: Invitae Variant Classification Sherloc (09022015). Collection method: clinical testing. Allele origin: germline.
Comment: This sequence change replaces cysteine, which is neutral and slightly polar, with arginine, which is basic and polar, at codon 424 of the CARD14 protein (p.Cys424Arg). This variant is present in population databases (rs567958673, gnomAD 0.004%). This variant has not been reported in the literature in individuals affected with CARD14-related conditions. ClinVar contains an entry for this variant (Variation ID: 1694223). Invitae Evidence Modeling of protein sequence and biophysical properties (such as structural, functional, and spatial information, amino acid conservation, physicochemical variation, residue mobility, and thermodynamic stability) indicates that this missense variant is not expected to disrupt CARD14 protein function with a negative predictive value of 95%. In summary, the available evidence is currently insufficient to determine the role of this variant in disease. Therefore, it has been classified as a Variant of Uncertain Significance.

Genome Diagnostics Laboratory, The Hospital for Sick Children
Classification: Uncertain significance for Autoinflammatory syndrome. Last evaluated: 2018-05-01. Review status: criteria provided, single submitter. Criteria: ACMG Guidelines, 2015. Collection method: clinical testing. Allele origin: germline. Affected: yes.

NM_001366385.1(CARD14):c.1270T>C (p.Cys424Arg)

Gene: CARD14 (caspase recruitment domain family member 14; plus strand). Cytogenetic location: 17q25.3.
Variant type: single nucleotide variant.
Coding change: c.1270T>C on transcript NM_001366385.1 (MANE Select); coding-DNA position 1270, T replaced by C.
Protein change: p.Cys424Arg; replaces cysteine 424 with arginine.
Molecular consequence: missense variant. On other transcripts: non-coding transcript variant (1).
Genome position (GRCh38, 1-based): chr17:80,192,533, T>C. VCF-style: chr17-80192533-T-C. GRCh37 (hg19) VCF-style: chr17-78166332-T-C.
Other names: c.559T>C, p.Cys187Arg (NM_052819.3); c.1270T>C, p.Cys424Arg (NM_001257970.1, NM_024110.4); short protein forms C187R, C424R.
Identifiers: ClinVar variation 1694223 (VCV001694223.8), dbSNP rs567958673, ClinGen allele CA8816741.